The following is an entry in ClinVar:

NM_000095.3(COMP):c.1435G>A (p.Asp479Asn)

Gene: COMP (cartilage oligomeric matrix protein; minus strand). Cytogenetic location: 19p13.11.
Variant type: single nucleotide variant.
Coding change: c.1435G>A on transcript NM_000095.3 (MANE Select); coding-DNA position 1435, G replaced by A.
Protein change: p.Asp479Asn; replaces aspartic acid 479 with asparagine.
Molecular consequence: missense variant.
Genome position (GRCh38, 1-based): chr19:18,786,019, C>T on the plus strand (G>A on the coding strand, the complement: COMP is on the minus strand). VCF-style: chr19-18786019-C-T. GRCh37 (hg19) VCF-style: chr19-18896829-C-T.
Other names: short protein forms D479N.
Identifiers: ClinVar variation 4744759 (VCV004744759.1).

ClinVar aggregate classification (germline): Uncertain significance (1 of 4 stars; one submission).

Submission:

Labcorp Genetics (formerly Invitae), Labcorp
Classification: Uncertain significance. Last evaluated: 2025-10-07. Review status: criteria provided, single submitter. Criteria: Invitae Variant Classification Sherloc (09022015). Collection method: clinical testing. Allele origin: germline.
Comment: This sequence change replaces aspartic acid, which is acidic and polar, with asparagine, which is neutral and polar, at codon 479 of the COMP protein (p.Asp479Asn). This variant is not present in population databases (gnomAD no frequency). This missense change has been observed in individual(s) with epiphyseal dysplasia (internal data). Invitae Evidence Modeling of protein sequence and biophysical properties (such as structural, functional, and spatial information, amino acid conservation, physicochemical variation, residue mobility, and thermodynamic stability) indicates that this missense variant is not expected to disrupt COMP protein function with a negative predictive value of 80%. This variant disrupts the p.Asp479 amino acid residue in COMP. Other variant(s) that disrupt this residue have been determined to be pathogenic (PMID: 15756302; internal data). This suggests that this residue is clinically significant, and that variants that disrupt this residue are likely to be disease-causing. In summary, the available evidence is currently insufficient to determine the role of this variant in disease. Therefore, it has been classified as a Variant of Uncertain Significance.

Literature cited by the submitters: PubMed 15756302.